The following is an entry in ClinVar:

ClinVar aggregate classification (germline): Uncertain significance. Review status: criteria provided, multiple submitters, no conflicts (2 of 4 stars). 2 submissions from 2 submitters: Uncertain significance (2). Last evaluated 2024-04-01.

Conditions:
Inborn genetic diseases. Identifiers: MedGen C0950123, MeSH D030342.
Dystonic disorder. Also called: Dystonia. Identifiers: MedGen C0013421, MONDO:0003441, HP:0001332.

Allele frequency attached by ClinVar (database versions not stated): ESP Exome Variant Server 0.00008.
gnomAD v4.1: 17 of 1,613,818 alleles (0.0011%); highest among the groups gnomAD compares: Non-Finnish European, 0.0014%; no homozygotes.

Submissions (2):

Ambry Genetics
Classification: Uncertain significance for Inborn genetic diseases. Last evaluated: 2024-04-01. Review status: criteria provided, single submitter. Criteria: Ambry Variant Classification Scheme 2023. Collection method: clinical testing. Allele origin: germline.

Labcorp Genetics (formerly Invitae), Labcorp
Classification: Uncertain significance for Dystonic disorder. Last evaluated: 2022-12-27. Review status: criteria provided, single submitter. Criteria: Invitae Variant Classification Sherloc (09022015). Collection method: clinical testing. Allele origin: germline.
Comment: In summary, the available evidence is currently insufficient to determine the role of this variant in disease. Therefore, it has been classified as a Variant of Uncertain Significance. Advanced modeling of protein sequence and biophysical properties (such as structural, functional, and spatial information, amino acid conservation, physicochemical variation, residue mobility, and thermodynamic stability) performed at Invitae indicates that this missense variant is not expected to disrupt ANO3 protein function. This variant has not been reported in the literature in individuals affected with ANO3-related conditions. This variant is present in population databases (rs150999282, gnomAD 0.004%). This sequence change replaces alanine, which is neutral and non-polar, with serine, which is neutral and polar, at codon 41 of the ANO3 protein (p.Ala41Ser).

NM_031418.4(ANO3):c.121G>T (p.Ala41Ser)

Gene: ANO3 (anoctamin 3; plus strand). Cytogenetic location: 11p14.2.
Variant type: single nucleotide variant.
Coding change: c.121G>T on transcript NM_031418.4 (MANE Select); coding-DNA position 121, G replaced by T.
Protein change: p.Ala41Ser; replaces alanine 41 with serine.
Molecular consequence: missense variant.
Genome position (GRCh38, 1-based): chr11:26,441,992, G>T. VCF-style: chr11-26441992-G-T. GRCh37 (hg19) VCF-style: chr11-26463539-G-T.
Other names: c.304G>T, p.Ala102Ser (NM_001313726.2); c.121G>T (NM_031418.2); short protein forms A102S, A41S.
Identifiers: ClinVar variation 2709433 (VCV002709433.4), dbSNP rs150999282, ClinGen allele CA5925457.